The following is an entry in ClinVar:

ClinVar aggregate classification (germline): Likely pathogenic (1 of 4 stars; one submission).

Conditions:
Thyroid hormone metabolism, abnormal 1 (THMA1). Also called: Short stature-delayed bone age due to thyroid hormone metabolism deficiency. Identifiers: Orphanet 171706, MedGen C5676891, MONDO:0800046, OMIM 609698.

Submission:

Dasa
Classification: Likely pathogenic for Thyroid hormone metabolism, abnormal 1. Last evaluated: 2025-03-17. Review status: criteria provided, single submitter. Criteria: DASA Assertion Criteria. Collection method: clinical testing. Allele origin: germline.
Comment: NM_024077.5(SECISBP2):c.1163del (p.Ser388Leufs*8) is a frameshift variant in SECISBP2 predicted to alter the reading frame and introduce a premature termination codon and is predicted to result in an absent or altered protein product. Loss of function is an established disease mechanism for SECISBP2-associated disorders. Also, this variant is rare in population databases. Based on the currently available evidence, this variant is classified as likely pathogenic.

NM_024077.5(SECISBP2):c.1163del (p.Ser388fs)

Gene: SECISBP2 (SECIS binding protein 2; plus strand). Cytogenetic location: 9q22.2.
Variant type: Deletion.
Coding change: c.1163del on transcript NM_024077.5 (MANE Select); coding-DNA position 1163, one base deleted (C; older notation c.1163delC).
Protein change: p.Ser388fs; shifts the reading frame from serine 388.
Molecular consequence: frameshift variant.
Genome position (GRCh38, 1-based): chr9:89,338,531, C deleted. VCF-style (leftmost placement, unchanged base first): chr9-89338530-TC-T. GRCh37 (hg19) VCF-style: chr9-91953445-TC-T.
Other names: c.1160del, p.Ser387fs (NM_001282688.2); c.944del, p.Ser315fs (NM_001282689.2); c.959del, p.Ser320fs (NM_001282690.1); c.1046del, p.Ser349fs (NM_001354696.2, NM_001354698.2); c.1049del, p.Ser350fs (NM_001354697.2); c.278del, p.Ser93fs (NM_001354702.2); short protein forms S315fs, S320fs, S349fs, S350fs, S387fs, S388fs, S93fs.
Identifiers: ClinVar variation 4884279 (VCV004884279.2).